The following is an entry in ClinVar:

NM_006231.4(POLE):c.322A>T (p.Thr108Ser)

Gene: POLE (DNA polymerase epsilon, catalytic subunit; minus strand). Cytogenetic location: 12q24.33.
Variant type: single nucleotide variant.
Coding change: c.322A>T on transcript NM_006231.4 (MANE Select); coding-DNA position 322, A replaced by T.
Protein change: p.Thr108Ser; replaces threonine 108 with serine.
Molecular consequence: missense variant.
Genome position (GRCh38, 1-based): chr12:132,680,186, T>A on the plus strand (A>T on the coding strand, the complement: POLE is on the minus strand). VCF-style: chr12-132680186-T-A. GRCh37 (hg19) VCF-style: chr12-133256772-T-A.
Other names: short protein forms T108S.
Identifiers: ClinVar variation 580431 (VCV000580431.8), dbSNP rs1565980550, ClinGen allele CA387368593.
Genomic context (GRCh38, chr12:132,680,186, plus strand): 5'-ACCACAGAATGACACACAGGTCGTCTGACCTGAGTCTATGAAACACACTCACCTTTCTGG[T>A]CGCAATGTAGAAATACGGTTTATAGGGCAAAGCCACCTGTTAAGAGTCACCAACCCATCC-3'
Protein context (NP_006222.2, residues 98-118): LPYKPYFYIA[Thr108Ser]RKGCEREVSS

ClinVar aggregate classification (germline): Uncertain significance (1 of 4 stars; one submission).

Submission:

Labcorp Genetics (formerly Invitae), Labcorp
Classification: Uncertain significance. Last evaluated: 2022-10-31. Review status: criteria provided, single submitter. Criteria: Invitae Variant Classification Sherloc (09022015). Collection method: clinical testing. Allele origin: germline.
Comment: This variant has not been reported in the literature in individuals affected with POLE-related conditions. ClinVar contains an entry for this variant (Variation ID: 580431). Advanced modeling of protein sequence and biophysical properties (such as structural, functional, and spatial information, amino acid conservation, physicochemical variation, residue mobility, and thermodynamic stability) performed at Invitae indicates that this missense variant is not expected to disrupt POLE protein function. In summary, the available evidence is currently insufficient to determine the role of this variant in disease. Therefore, it has been classified as a Variant of Uncertain Significance. This sequence change replaces threonine, which is neutral and polar, with serine, which is neutral and polar, at codon 108 of the POLE protein (p.Thr108Ser). This variant is not present in population databases (gnomAD no frequency).